The following is an entry in ClinVar:

ClinVar aggregate classification (germline): Uncertain significance (1 of 4 stars; one submission).

Submission:

Labcorp Genetics (formerly Invitae), Labcorp
Classification: Uncertain significance. Last evaluated: 2022-09-16. Review status: criteria provided, single submitter. Criteria: Invitae Variant Classification Sherloc (09022015). Collection method: clinical testing. Allele origin: germline.
Comment: In summary, the available evidence is currently insufficient to determine the role of this variant in disease. Therefore, it has been classified as a Variant of Uncertain Significance. Algorithms developed to predict the effect of missense changes on protein structure and function are either unavailable or do not agree on the potential impact of this missense change (SIFT: "Deleterious"; PolyPhen-2: "Not Available"; Align-GVGD: "Class C0"). This variant has not been reported in the literature in individuals affected with NEFH-related conditions. This variant is not present in population databases (gnomAD no frequency). This sequence change replaces tryptophan, which is neutral and slightly polar, with cysteine, which is neutral and slightly polar, at codon 292 of the NEFH protein (p.Trp292Cys).

NM_021076.4(NEFH):c.876G>T (p.Trp292Cys)

Gene: NEFH (neurofilament heavy chain; plus strand). Cytogenetic location: 22q12.2.
Variant type: single nucleotide variant.
Coding change: c.876G>T on transcript NM_021076.4 (MANE Select); coding-DNA position 876, G replaced by T.
Protein change: p.Trp292Cys; replaces tryptophan 292 with cysteine.
Molecular consequence: missense variant.
Genome position (GRCh38, 1-based): chr22:29,481,138, G>T. VCF-style: chr22-29481138-G-T. GRCh37 (hg19) VCF-style: chr22-29877127-G-T.
Other names: short protein forms W292C.
Identifiers: ClinVar variation 1717785 (VCV001717785.5), dbSNP rs1296342371, ClinGen allele CA411124296.